The following is an entry in ClinVar:

NM_032119.4(ADGRV1):c.6553G>T (p.Val2185Leu)

Gene: ADGRV1 (adhesion G protein-coupled receptor V1; plus strand). Cytogenetic location: 5q14.3.
Variant type: single nucleotide variant.
Coding change: c.6553G>T on transcript NM_032119.4 (MANE Select); coding-DNA position 6553, G replaced by T.
Protein change: p.Val2185Leu; replaces valine 2185 with leucine.
Molecular consequence: missense variant. On other transcripts: non-coding transcript variant (1).
Genome position (GRCh38, 1-based): chr5:90,689,923, G>T. VCF-style: chr5-90689923-G-T. GRCh37 (hg19) VCF-style: chr5-89985740-G-T.
Other names: c.6553G>T (NM_032119.3); short protein forms V2185L.
Identifiers: ClinVar variation 1402080 (VCV001402080.7), dbSNP rs764238043, ClinGen allele CA360366107.

ClinVar aggregate classification (germline): Uncertain significance. Review status: criteria provided, multiple submitters, no conflicts (2 of 4 stars). 2 submissions from 2 submitters: Uncertain significance (2). Last evaluated 2026-01-09.

Conditions:
Inborn genetic diseases. Identifiers: MedGen C0950123, MeSH D030342.

Submissions (2):

Ambry Genetics
Classification: Uncertain significance for Inborn genetic diseases. Last evaluated: 2026-01-09. Review status: criteria provided, single submitter. Criteria: Ambry Variant Classification Scheme 2023. Collection method: clinical testing. Allele origin: germline.

Labcorp Genetics (formerly Invitae), Labcorp
Classification: Uncertain significance. Last evaluated: 2021-08-22. Review status: criteria provided, single submitter. Criteria: Invitae Variant Classification Sherloc (09022015). Collection method: clinical testing. Allele origin: germline.
Comment: This sequence change replaces valine with leucine at codon 2185 of the ADGRV1 protein (p.Val2185Leu). The valine residue is highly conserved and there is a small physicochemical difference between valine and leucine. This variant is not present in population databases (ExAC no frequency). This variant has not been reported in the literature in individuals affected with ADGRV1-related conditions. Algorithms developed to predict the effect of missense changes on protein structure and function are either unavailable or do not agree on the potential impact of this missense change (SIFT: "Deleterious"; PolyPhen-2: "Possibly Damaging"; Align-GVGD: "Class C0"). In summary, the available evidence is currently insufficient to determine the role of this variant in disease. Therefore, it has been classified as a Variant of Uncertain Significance.